The following is an entry in ClinVar:

ClinVar aggregate classification (germline): Pathogenic/Likely pathogenic. Review status: criteria provided, multiple submitters, no conflicts (2 of 4 stars). 3 submissions from 2 submitters: Pathogenic (2); Likely pathogenic (1). Last evaluated 2026-02-01.

Conditions:
Autosomal recessive limb-girdle muscular dystrophy type 2L (LGMDR12). Also called: Limb-Girdle Muscular Dystrophy R12 Anoctamin-5-Related (LGMD-R12); Limb-girdle muscular dystrophy, type 2L; MUSCULAR DYSTROPHY, LIMB-GIRDLE, AUTOSOMAL RECESSIVE 12. Identifiers: Orphanet 206549, MedGen C1969785, MONDO:0012652, OMIM 611307.
Gnathodiaphyseal dysplasia (GDD). Also called: GNATHODIAPHYSEAL SCLEROSIS; OSTEOGENESIS IMPERFECTA WITH UNUSUAL SKELETAL LESIONS. Identifiers: Orphanet 53697, MedGen C1833736, MONDO:0008151, OMIM 166260.

Submissions (3):

Labcorp Genetics (formerly Invitae), Labcorp
Classification: Pathogenic for Autosomal recessive limb-girdle muscular dystrophy type 2L; Gnathodiaphyseal dysplasia. Last evaluated: 2026-02-01. Review status: criteria provided, single submitter. Criteria: Invitae Variant Classification Sherloc (09022015). Collection method: clinical testing. Allele origin: germline.
Comment: This sequence change creates a premature translational stop signal (p.Tyr271*) in the ANO5 gene. It is expected to result in an absent or disrupted protein product. Loss-of-function variants in ANO5 are known to be pathogenic (PMID: 21186264, 23606453, 25891276, 30919934). This variant is not present in population databases (gnomAD no frequency). This variant has not been reported in the literature in individuals affected with ANO5-related conditions. ClinVar contains an entry for this variant (Variation ID: 468826). Algorithms developed to predict the effect of sequence changes on RNA splicing suggest that this variant may disrupt the consensus splice site. For these reasons, this variant has been classified as Pathogenic.

Revvity Omics, Revvity
Classification: Likely pathogenic. Last evaluated: 2021-04-21. Review status: criteria provided, single submitter. Criteria: ACMG Guidelines, 2015. Collection method: clinical testing. Allele origin: germline.

Labcorp Genetics (formerly Invitae), Labcorp
Classification: Pathogenic for Autosomal recessive limb-girdle muscular dystrophy type 2L. Last evaluated: 2017-08-09. Review status: criteria provided, single submitter. Criteria: Invitae Variant Classification Sherloc (09022015). Collection method: clinical testing. Allele origin: germline.
Comment: This sequence change creates a premature translational stop signal (p.Tyr271*) in the ANO5 gene. It is expected to result in an absent or disrupted protein product. This variant is not present in population databases (ExAC no frequency). This variant has not been reported in the literature in individuals with ANO5-related disease. Loss-of-function variants in ANO5 are known to be pathogenic (PMID: 21186264, 23606453, 25891276). For these reasons, this variant has been classified as Pathogenic.

Literature cited by the submitters: PubMed 21186264 (cited by Labcorp Genetics (formerly Invitae), Labcorp); PubMed 23606453 (cited by Labcorp Genetics (formerly Invitae), Labcorp); PubMed 25891276 (cited by Labcorp Genetics (formerly Invitae), Labcorp); PubMed 30919934 (cited by Labcorp Genetics (formerly Invitae), Labcorp).

NM_213599.3(ANO5):c.813C>G (p.Tyr271Ter)

Gene: ANO5 (anoctamin 5; plus strand). Cytogenetic location: 11p14.3.
Variant type: single nucleotide variant.
Coding change: c.813C>G on transcript NM_213599.3 (MANE Select); coding-DNA position 813, C replaced by G.
Protein change: p.Tyr271Ter; replaces tyrosine 271 with a stop codon.
Molecular consequence: nonsense.
Genome position (GRCh38, 1-based): chr11:22,239,619, C>G. VCF-style: chr11-22239619-C-G. GRCh37 (hg19) VCF-style: chr11-22261165-C-G.
Other names: c.810C>G, p.Tyr270Ter (NM_001142649.2); short protein forms Y271*, Y270*.
Identifiers: ClinVar variation 468826 (VCV000468826.10), dbSNP rs1380525804, ClinGen allele CA379920473.